The following is an entry in ClinVar:

ClinVar aggregate classification (germline): Conflicting classifications of pathogenicity. Review status: criteria provided, conflicting classifications (1 of 4 stars). 3 submissions from 3 submitters: Uncertain significance (1); Likely benign (2). Last evaluated 2025-12-10.

Conditions:
Inborn genetic diseases. Identifiers: MedGen C0950123, MeSH D030342.
Autosomal dominant nonsyndromic hearing loss 1. Also called: KONIGSMARK SYNDROME; DEAFNESS, AUTOSOMAL DOMINANT 1, WITH OR WITHOUT THROMBOCYTOPENIA. Identifiers: Orphanet 90635, MedGen C1852282, MONDO:0007424, OMIM 124900.
Progressive microcephaly-seizures-cortical blindness-developmental delay syndrome. Also called: Seizures, cortical blindness, and microcephaly syndrome. Identifiers: Orphanet 477814, MedGen C5567650, MONDO:0014714, OMIM 616632.

Allele frequency attached by ClinVar (database versions not stated): gnomAD exomes 0.00010 and 0.00011; gnomAD 0.00011 and 0.00014; TOPMed 0.00013; ExAC 0.00015; ESP Exome Variant Server 0.00032; 1000 Genomes Project 30x 0.00047; 1000 Genomes Project 0.00060.
gnomAD v4.1: 169 of 1,614,184 alleles (0.01%); highest among the groups gnomAD compares: African/African-American, 0.041%; no homozygotes.

Submissions (3):

Labcorp Genetics (formerly Invitae), Labcorp
Classification: Uncertain significance for Progressive microcephaly-seizures-cortical blindness-developmental delay syndrome; Autosomal dominant nonsyndromic hearing loss 1. Last evaluated: 2025-12-10. Review status: criteria provided, single submitter. Criteria: Invitae Variant Classification Sherloc (09022015). Collection method: clinical testing. Allele origin: germline.
Comment: This sequence change replaces asparagine, which is neutral and polar, with serine, which is neutral and polar, at codon 975 of the DIAPH1 protein (p.Asn975Ser). This variant is present in population databases (rs370849059, gnomAD 0.04%). This variant has not been reported in the literature in individuals affected with DIAPH1-related conditions. ClinVar contains an entry for this variant (Variation ID: 178341). An algorithm developed to predict the effect of missense changes on protein structure and function outputs the following: PolyPhen-2: "Benign". The serine amino acid residue is found in multiple mammalian species, which suggests that this missense change does not adversely affect protein function. In summary, the available evidence is currently insufficient to determine the role of this variant in disease. Therefore, it has been classified as a Variant of Uncertain Significance.

Ambry Genetics
Classification: Likely benign for Inborn genetic diseases. Last evaluated: 2025-12-09. Review status: criteria provided, single submitter. Criteria: Ambry Variant Classification Scheme 2023. Collection method: clinical testing. Allele origin: germline.

Laboratory for Molecular Medicine, Mass General Brigham Personalized Medicine
Classification: Likely benign. Last evaluated: 2013-08-02. Review status: criteria provided, single submitter. Criteria: LMM Criteria. Collection method: clinical testing. Allele origin: germline. Observed: 1 variant allele.
Comment: Asn975Ser variant in Exon 22 of DIAPH1: This variant is not expected to have cl inical significance because the asparagine (Asn) residue at position 975 is not well conserved, with many species having a serine (Ser). In addition, this vari ant was identified in 0.02% (2/8380) of European American chromosomes and 0.04% (2/4028) of African American chromosomes by the NHLBI Exome Sequencing Project.

NM_005219.5(DIAPH1):c.2924A>G (p.Asn975Ser)

Gene: DIAPH1 (diaphanous related formin 1; minus strand). Cytogenetic location: 5q31.3.
Variant type: single nucleotide variant.
Coding change: c.2924A>G on transcript NM_005219.5 (MANE Select); coding-DNA position 2924, A replaced by G.
Protein change: p.Asn975Ser; replaces asparagine 975 with serine.
Molecular consequence: missense variant.
Genome position (GRCh38, 1-based): chr5:141,528,796, T>C on the plus strand (A>G on the coding strand, the complement: DIAPH1 is on the minus strand). VCF-style: chr5-141528796-T-C. GRCh37 (hg19) VCF-style: chr5-140908363-T-C.
Other names: c.2897A>G, p.Asn966Ser (NM_001079812.3); c.2924A>G, p.Asn975Ser (NM_001314007.2); short protein forms N975S, N966S.
Identifiers: ClinVar variation 178341 (VCV000178341.11), dbSNP rs370849059, ClinGen allele CA182141.